The following is an entry in ClinVar:

ClinVar aggregate classification (germline): Likely benign (1 of 4 stars; one submission).

Submission:

CeGaT Center for Human Genetics Tuebingen
Classification: Likely benign. Last evaluated: 2026-04-01. Review status: criteria provided, single submitter. Criteria: CeGaT Center For Human Genetics Tuebingen Variant Classification Criteria Version 2. Collection method: clinical testing. Allele origin: germline. Affected: yes. Observed: 1 variant allele.
Comment: POU3F2: BS2

NM_005604.4(POU3F2):c.222_227dup (p.Gly88_Asp89insGlyGly)

Gene: POU3F2 (POU class 3 homeobox 2; plus strand). Cytogenetic location: 6q16.1.
Variant type: Duplication.
Coding change: c.222_227dup on transcript NM_005604.4 (MANE Select); coding-DNA positions 222 to 227, 6 bases duplicated (TGGCGG; older notation c.222_227dupTGGCGG).
Protein change: p.Gly88_Asp89insGlyGly.
Molecular consequence: inframe insertion.
Genome position (GRCh38, 1-based): chr6:98,835,095-98,835,100, TGGCGG duplicated; duplicating any 6 consecutive bases within chr6:98,835,090-98,835,100 gives the same sequence; the c. name uses the placement nearest the transcript's 3' end. VCF-style (leftmost placement, unchanged base first): chr6-98835089-G-GGGCGGT. GRCh37 (hg19) VCF-style: chr6-99282965-G-GGGCGGT.
Identifiers: ClinVar variation 4872909 (VCV004872909.2).